The following is an entry in ClinVar:

NM_001034853.2(RPGR):c.1707G>T (p.Met569Ile)

Gene: RPGR (retinitis pigmentosa GTPase regulator; minus strand). Cytogenetic location: Xp11.4.
Variant type: single nucleotide variant.
Coding change: c.1707G>T on transcript NM_001034853.2 (MANE Select); coding-DNA position 1707, G replaced by T.
Protein change: p.Met569Ile; replaces methionine 569 with isoleucine.
Molecular consequence: missense variant. On other transcripts: non-coding transcript variant (1), intron variant (5).
Genome position (GRCh38, 1-based): chrX:38,287,907, C>A on the plus strand (G>T on the coding strand, the complement: RPGR is on the minus strand). VCF-style: chrX-38287907-C-A. GRCh37 (hg19) VCF-style: chrX-38147160-C-A.
Other names: c.1707G>T, p.Met569Ile (NM_000328.3); c.1704G>T, p.Met568Ile (NM_001367245.1); c.1521G>T, p.Met507Ile (NM_001367246.1); c.1569+3052G>T (NM_001367249.1, NM_001367250.1); c.1386+3052G>T (NM_001367251.1); c.1572+3052G>T (NM_001367247.1); c.1602+3052G>T (NM_001367248.1); short protein forms M569I, M507I, M568I.
Identifiers: ClinVar variation 2841846 (VCV002841846.3), dbSNP rs2519798251, ClinGen allele CA412736889.
Genomic context (GRCh38, chrX:38,287,907, plus strand): 5'-GCCTGTGTCATTACCTACTTCCTCATCTGAAAATGCTTCGATAGTCGTAGCTGGCTGCGT[C>A]ATGAAAATCCCTTGTGACACATGTTGTTTACATGCTTTCCCTTCTTTCATTTCTGACATT-3'
Protein context (NP_001030025.1, residues 559-579): CKQHVSQGIF[Met569Ile]TQPATTIEAF

ClinVar aggregate classification (germline): Uncertain significance (1 of 4 stars; one submission).

Conditions:
Primary ciliary dyskinesia. Also called: Ciliary dyskinesia. Identifiers: Orphanet 244, MedGen C0008780, MONDO:0016575, HP:0012265.

Submission:

Labcorp Genetics (formerly Invitae), Labcorp
Classification: Uncertain significance for Primary ciliary dyskinesia. Last evaluated: 2023-03-01. Review status: criteria provided, single submitter. Criteria: Invitae Variant Classification Sherloc (09022015). Collection method: clinical testing. Allele origin: germline.
Comment: In summary, the available evidence is currently insufficient to determine the role of this variant in disease. Therefore, it has been classified as a Variant of Uncertain Significance. Advanced modeling of protein sequence and biophysical properties (such as structural, functional, and spatial information, amino acid conservation, physicochemical variation, residue mobility, and thermodynamic stability) performed at Invitae indicates that this missense variant is not expected to disrupt RPGR protein function. This variant has not been reported in the literature in individuals affected with RPGR-related conditions. This variant is not present in population databases (gnomAD no frequency). This sequence change replaces methionine, which is neutral and non-polar, with isoleucine, which is neutral and non-polar, at codon 569 of the RPGR protein (p.Met569Ile).